The following is an entry in ClinVar:

ClinVar aggregate classification (germline): Uncertain significance. Review status: criteria provided, multiple submitters, no conflicts (2 of 4 stars). 2 submissions from 2 submitters: Uncertain significance (2). Last evaluated 2025-04-09.

Conditions:
RASopathy. Also called: rasopathies; Noonan spectrum disorder. Identifiers: Orphanet 536391, MedGen C5555857, MONDO:0021060.

Allele frequency attached by ClinVar (database versions not stated): gnomAD 0.00001; gnomAD exomes 0.00001; TOPMed 0.00001.
gnomAD v4.1: 5 of 1,612,470 alleles (0.00031%); highest among the groups gnomAD compares: African/African-American, 0.0053%; no homozygotes.

Submissions (2):

Labcorp Genetics (formerly Invitae), Labcorp
Classification: Uncertain significance for RASopathy. Last evaluated: 2025-04-09. Review status: criteria provided, single submitter. Criteria: Invitae Variant Classification Sherloc (09022015). Collection method: clinical testing. Allele origin: germline.
Comment: This sequence change replaces glycine, which is neutral and non-polar, with serine, which is neutral and polar, at codon 390 of the BRAF protein (p.Gly390Ser). This variant is not present in population databases (gnomAD no frequency). This variant has not been reported in the literature in individuals affected with BRAF-related conditions. ClinVar contains an entry for this variant (Variation ID: 280167). Invitae Evidence Modeling of protein sequence and biophysical properties (such as structural, functional, and spatial information, amino acid conservation, physicochemical variation, residue mobility, and thermodynamic stability) indicates that this missense variant is not expected to disrupt BRAF protein function with a negative predictive value of 80%. In summary, the available evidence is currently insufficient to determine the role of this variant in disease. Therefore, it has been classified as a Variant of Uncertain Significance.

GeneDx
Classification: Uncertain significance. Last evaluated: 2020-10-16. Review status: criteria provided, single submitter. Criteria: GeneDx Variant Classification Process June 2021. Collection method: clinical testing. Allele origin: germline. Affected: yes.
Comment: Not observed in large population cohorts (Lek et al., 2016); Missense variants in this gene are often considered pathogenic (Stenson et al., 2014); In silico analysis supports that this missense variant does not alter protein structure/function; Has not been previously published as pathogenic or benign to our knowledge

NM_004333.6(BRAF):c.1168G>A (p.Gly390Ser)

Gene: BRAF (B-Raf proto-oncogene, serine/threonine kinase; minus strand). Cytogenetic location: 7q34.
Variant type: single nucleotide variant.
Coding change: c.1168G>A on transcript NM_004333.6 (MANE Select); coding-DNA position 1168, G replaced by A.
Protein change: p.Gly390Ser; replaces glycine 390 with serine.
Molecular consequence: missense variant. On other transcripts: intron variant (1).
Genome position (GRCh38, 1-based): chr7:140,787,557, C>T on the plus strand (G>A on the coding strand, the complement: BRAF is on the minus strand). VCF-style: chr7-140787557-C-T. GRCh37 (hg19) VCF-style: chr7-140487357-C-T.
Other names: c.1168G>A, p.Gly390Ser (NM_001378469.1, NM_001378474.1, NM_001354609.2 and 3 more transcripts); c.1066G>A, p.Gly356Ser (NM_001378470.1); c.1012G>A, p.Gly338Ser (NM_001378472.1, NM_001378473.1); c.904G>A, p.Gly302Ser (NM_001378475.1); c.1141-4474G>A (NM_001378471.1); c.1177G>A, p.Gly393Ser (NM_001378467.1); short protein forms G390S, G302S, G338S, G356S, G393S.
Identifiers: ClinVar variation 280167 (VCV000280167.8), dbSNP rs886041424, ClinGen allele CA10603020.